The following is an entry in ClinVar:

ClinVar aggregate classification (germline): Uncertain significance (1 of 4 stars; one submission).

Conditions:
Zaki syndrome. Also called: MICROCEPHALY, PROGRESSIVE, WITH DEVELOPMENTAL DELAY, CUPPED EARS, AND DYSMORPHIC FEATURES. Identifiers: MedGen C5562037, MONDO:0859209, OMIM 619648.

gnomAD v4.1: 5 of 1,614,148 alleles (0.00031%); highest among the groups gnomAD compares: South Asian, 0.0011%; no homozygotes.

Submission:

3billion
Classification: Uncertain significance for Zaki syndrome. Last evaluated: 2023-12-07. Review status: criteria provided, single submitter. Criteria: ACMG Guidelines, 2015. Collection method: clinical testing. Allele origin: germline. Affected: yes.
Comment: The variant is not observed in the gnomAD v2.1.1 dataset. Predicted Consequence/Location: Missense changes are a common disease-causing mechanism. In silico tool predictions suggest damaging effect of the variant on gene or gene product [REVEL: 0.68 (>=0.6, sensitivity 0.68 and specificity 0.92); 3Cnet: 0.81 (>=0.6, sensitivity 0.72 and precision 0.9)]. Therefore, this variant is classified as VUS according to the recommendation of ACMG/AMP guideline.

NM_024911.7(WLS):c.1261C>T (p.Arg421Trp)

Genes: GNG12-AS1 (GNG12, DIRAS3 and WLS antisense RNA 1; plus strand), WLS (Wnt ligand secretion mediator; minus strand). Cytogenetic location: 1p31.3.
Variant type: single nucleotide variant.
Coding change: c.1261C>T on transcript NM_024911.7 (MANE Select); coding-DNA position 1261, C replaced by T.
Protein change: p.Arg421Trp; replaces arginine 421 with tryptophan.
Molecular consequence: missense variant.
Genome position (GRCh38, 1-based): chr1:68,145,886, G>A on the plus strand (C>T on the coding strand, the complement: WLS is on the minus strand). VCF-style: chr1-68145886-G-A. GRCh37 (hg19) VCF-style: chr1-68611569-G-A.
Other names: c.1255C>T, p.Arg419Trp (NM_001002292.4); c.988C>T, p.Arg330Trp (NM_001193334.1); short protein forms R330W, R419W, R421W.
Identifiers: ClinVar variation 3776167 (VCV003776167.1).